The following is an entry in ClinVar:

ClinVar aggregate classification (germline): Benign. Review status: reviewed by expert panel (3 of 4 stars). 25 submissions from 25 submitters: Benign (1). 24 of the submissions do not count toward it. Last evaluated 2023-02-19.

Conditions:
APC-Associated Polyposis Disorders.
Hereditary cancer-predisposing syndrome. Also called: Tumor predisposition; Neoplastic Syndromes, Hereditary; Hereditary neoplastic syndrome; Hereditary Cancer Syndrome. Identifiers: Orphanet 140162, MedGen C0027672, MeSH D009386, MONDO:0015356.
Desmoid disease, hereditary (DESMD). Also called: FIBROMATOSIS, FAMILIAL INFILTRATIVE. Identifiers: Orphanet 873, MedGen C1851124, OMIM 135290. Disease mechanism: loss of function.
Carcinoma of colon (CRC). Also called: Colonic carcinoma; Colon carcinoma. Identifiers: MedGen C0699790, MONDO:0002032.
Familial adenomatous polyposis 1 (FAP1). Also called: FAMILIAL ADENOMATOUS POLYPOSIS 1, ATTENUATED; POLYPOSIS, ADENOMATOUS INTESTINAL. Identifiers: MedGen C2713442, MONDO:0021056, OMIM 175100. Disease mechanism: loss of function.
Neoplasm of stomach. Also called: Neoplasm of the stomach; Gastric neoplasm; Stomach Neoplasms. Identifiers: MedGen C0038356, MONDO:0021085, HP:0006753. Disease mechanism: gain of function. Inheritance: Somatic mutation.
Hepatocellular carcinoma (HCC). Also called: HEPATOMA; LIVER CELL CARCINOMA; Primary carcinoma of liver. Identifiers: Orphanet 88673, MedGen C2239176, MONDO:0007256, OMIM 114550, HP:0001402.
Familial colorectal cancer. Identifiers: MedGen CN280943, MONDO:0023113. Disease mechanism: loss of function.

Allele frequency attached by ClinVar (database versions not stated): ESP Exome Variant Server 0.46217; gnomAD 0.46792 and 0.48060; TOPMed 0.48299; 1000 Genomes Project 30x 0.50468; 1000 Genomes Project 0.50998; ExAC 0.57798; gnomAD exomes 0.58437 and 0.58737.
gnomAD v4.1: 930,477 of 1,612,952 alleles (58%); highest among the groups gnomAD compares: East Asian, 71%; 275,599 homozygotes.

Submissions (25):

ClinGen InSiGHT Hereditary Colorectal Cancer/Polyposis Variant Curation Expert Panel
Classification: Benign for Familial adenomatous polyposis 1. Last evaluated: 2023-02-19. Review status: reviewed by expert panel. Criteria: ClinGen InSiGHT HCCP VCEP ACMG Specifications APC V1. Collection method: curation. Allele origin: germline. Inheritance: Autosomal dominant inheritance.
Comment: The c.1458T>C (p.Tyr486=) variant in APC is a synonymous (silent) variant that is not predicted to impact splicing (BP4, BP7). The highest population minor allele frequency (non-cancer) in gnomAD v2.1.1 is 69.75% in Latino/Admixed American population, which is higher than the ClinGen InSiGHT Hereditary Colorectal Cancer/Polyposis Variant Curation Expert Panel (HCCP VCEP) threshold (0.1%) for BA1, and therefore meets this criterion (BA1). In summary, this variant meets the criteria to be classified as Benign for FAP based on the ACMG/AMP criteria applied, as specified by the HCCP VCEP: BA1, BP4, BP7 (VCEP specifications Version 1.0, date of approval: 12/12/2022).

Labcorp Genetics (formerly Invitae), Labcorp
Classification: Benign for Familial adenomatous polyposis 1. Last evaluated: 2026-02-04. Review status: criteria provided, single submitter. Criteria: Invitae Variant Classification Sherloc (09022015). Collection method: clinical testing. Allele origin: germline. Not counted in ClinVar's aggregate classification.

ARUP Laboratories, Molecular Genetics and Genomics, ARUP Laboratories
Classification: Benign. Last evaluated: 2025-07-30. Review status: criteria provided, single submitter. Criteria: ARUP Molecular Germline Variant Investigation Process 2024. Collection method: clinical testing. Allele origin: germline. Not counted in ClinVar's aggregate classification.

GeneKor MSA
Classification: Benign for Hereditary cancer-predisposing syndrome. Last evaluated: 2025-07-10. Review status: criteria provided, single submitter. Criteria: ACMG Guidelines, 2015. Collection method: clinical testing. Allele origin: germline. Not counted in ClinVar's aggregate classification.

Blueprint Genetics
Classification: Benign. Last evaluated: 2024-11-26. Review status: criteria provided, single submitter. Criteria: ACMG Guidelines, 2015. Collection method: clinical testing. Allele origin: germline. Not counted in ClinVar's aggregate classification.

KCCC/NGS Laboratory, Kuwait Cancer Control Center
Classification: Benign for Familial adenomatous polyposis 1. Last evaluated: 2023-07-07. Review status: criteria provided, single submitter. Criteria: ACMG Guidelines, 2015. Collection method: clinical testing. Allele origin: germline. Affected: yes. Not counted in ClinVar's aggregate classification.

Sema4
Classification: Benign for Hereditary cancer-predisposing syndrome. Last evaluated: 2019-12-09. Review status: criteria provided, single submitter. Criteria: Sema4 Curation Guidelines. Collection method: curation. Allele origin: germline. Not counted in ClinVar's aggregate classification.

Fulgent Genetics
Classification: Benign for Colorectal cancer; Hepatocellular carcinoma; Desmoid disease, hereditary; Familial adenomatous polyposis 1; Gastric cancer. Last evaluated: 2018-10-31. Review status: criteria provided, single submitter. Criteria: ACMG Guidelines, 2015. Collection method: clinical testing. Allele origin: unknown. Not counted in ClinVar's aggregate classification.

Illumina Laboratory Services, Illumina
Classification: Benign for APC-Associated Polyposis Disorders. Last evaluated: 2018-03-06. Review status: criteria provided, single submitter. Criteria: ICSL Variant Classification Criteria 13 December 2019. Collection method: clinical testing. Allele origin: germline. Not counted in ClinVar's aggregate classification.
Comment: This variant was observed in the ICSL laboratory as part of a predisposition screen in an ostensibly healthy population. It had not been previously curated by ICSL or reported in the Human Gene Mutation Database (HGMD: prior to June 1st, 2018), and was therefore a candidate for classification through an automated scoring system. Utilizing variant allele frequency, disease prevalence and penetrance estimates, and inheritance mode, an automated score was calculated to assess if this variant is too frequent to cause the disease. Based on the score and internal cut-off values, a variant classified as benign is not then subjected to further curation. The score for this variant resulted in a classification of benign for this disease.

Color Diagnostics, LLC DBA Color Health
Classification: Benign for Hereditary cancer-predisposing syndrome. Last evaluated: 2016-03-18. Review status: criteria provided, single submitter. Criteria: ACMG Guidelines, 2015. Collection method: clinical testing. Allele origin: germline. Not counted in ClinVar's aggregate classification.

Eurofins Ntd Llc (ga)
Classification: Benign. Last evaluated: 2016-03-16. Review status: criteria provided, single submitter. Criteria: EGL Classification Definitions 2015. Collection method: clinical testing. Allele origin: germline. Observed: 52 variant alleles, 36 heterozygotes, 16 homozygotes. Not counted in ClinVar's aggregate classification.

GeneDx
Classification: Benign. Last evaluated: 2015-03-03. Review status: criteria provided, single submitter. Criteria: GeneDx Variant Classification Process June 2021. Collection method: clinical testing. Allele origin: germline. Affected: yes. Not counted in ClinVar's aggregate classification.
Comment: This variant is associated with the following publications: (PMID: 30272267)

Ambry Genetics
Classification: Benign for Hereditary cancer-predisposing syndrome. Last evaluated: 2014-10-24. Review status: criteria provided, single submitter. Criteria: Ambry Variant Classification Scheme 2023. Collection method: clinical testing. Allele origin: germline. Not counted in ClinVar's aggregate classification.

Pathology and Clinical Laboratory Medicine, King Fahad Medical City
Classification: Benign. Review status: criteria provided, single submitter. Criteria: ACMG Guidelines, 2015. Collection method: clinical testing. Allele origin: germline. Affected: no. Observed: 2,046 variant alleles. Not counted in ClinVar's aggregate classification.

PreventionGenetics, part of Exact Sciences
Classification: Benign. Review status: criteria provided, single submitter. Criteria: ACMG Guidelines, 2015. Collection method: clinical testing. Allele origin: germline. Not counted in ClinVar's aggregate classification.

Institute for Biomarker Research, Medical Diagnostic Laboratories, L.L.C.
Classification: Benign for Hereditary cancer-predisposing syndrome. Last evaluated: 2021-12-21. Review status: no assertion criteria provided. Collection method: clinical testing. Allele origin: germline. Not counted in ClinVar's aggregate classification.

Laboratory for Molecular Medicine, Mass General Brigham Personalized Medicine
Classification: Benign. Last evaluated: 2008-03-01. Review status: no assertion criteria provided. Collection method: clinical testing. Allele origin: germline. Observed: 24 variant alleles. Not counted in ClinVar's aggregate classification.

Clinical Genetics DNA and cytogenetics Diagnostics Lab, Erasmus MC, Erasmus Medical Center
Classification: Benign. Review status: no assertion criteria provided. Collection method: clinical testing. Allele origin: germline. Affected: yes. Study: VKGL Data-share Consensus. Not counted in ClinVar's aggregate classification.

Clinical Genetics, Academic Medical Center
Classification: Benign. Review status: no assertion criteria provided. Collection method: clinical testing. Allele origin: germline. Affected: yes. Study: VKGL Data-share Consensus. Not counted in ClinVar's aggregate classification.

Department of Pathology and Laboratory Medicine, Sinai Health System
Classification: Benign for Carcinoma of colon. Review status: no assertion criteria provided. Collection method: clinical testing. Allele origin: unknown. Affected: yes. Observed: 1 variant allele. Study: The Canadian Open Genetics Repository (COGR). Not counted in ClinVar's aggregate classification.
Comment: The c.1458T>C, p.Tyr486Tyr silent variant, located in exon 12 of APC, is not expected to have clinical significance because it does not alter an amino acid residue, is not located near a splice junction, is listed in dbSNP (rs_id:rs2229992) with a minor allele frequency of 0.46. Based on the above information, this is a likely benign variant.

Diagnostic Laboratory, Department of Genetics, University Medical Center Groningen
Classification: Benign. Review status: no assertion criteria provided. Collection method: clinical testing. Allele origin: germline. Affected: yes. Study: VKGL Data-share Consensus. Not counted in ClinVar's aggregate classification.

Genome Diagnostics Laboratory, University Medical Center Utrecht
Classification: Benign. Review status: no assertion criteria provided. Collection method: clinical testing. Allele origin: germline. Affected: yes. Study: VKGL Data-share Consensus. Not counted in ClinVar's aggregate classification.

Joint Genome Diagnostic Labs from Nijmegen and Maastricht, Radboudumc and MUMC+
Classification: Benign. Review status: no assertion criteria provided. Collection method: clinical testing. Allele origin: germline. Affected: yes. Study: VKGL Data-share Consensus. Not counted in ClinVar's aggregate classification.

Mayo Clinic Laboratories, Mayo Clinic
Classification: Benign. Review status: no assertion criteria provided. Collection method: clinical testing. Allele origin: unknown. Not counted in ClinVar's aggregate classification.

Systems Biology Platform Zhejiang California International NanoSystems Institute
Classification: other for Familial colorectal cancer. Review status: no assertion criteria provided. Collection method: not provided. Allele origin: unknown. Not counted in ClinVar's aggregate classification.
ClinVar note: Converted during submission from cancer to other.

Literature cited by the submitters: PubMed 25992589 (cited by Ambry Genetics); PubMed 26493165 (cited by Ambry Genetics).

NM_000038.6(APC):c.1458T>C (p.Tyr486=)

Gene: APC (APC regulator of Wnt signaling pathway; plus strand). Cytogenetic location: 5q22.2.
Variant type: single nucleotide variant.
Coding change: c.1458T>C on transcript NM_000038.6 (MANE Select); coding-DNA position 1458, T replaced by C.
Protein change: p.Tyr486=; no amino-acid change (tyrosine 486 retained).
Molecular consequence: synonymous variant.
Genome position (GRCh38, 1-based): chr5:112,827,157, T>C. VCF-style: chr5-112827157-T-C. GRCh37 (hg19) VCF-style: chr5-112162854-T-C.
Other names: NM_000038.6(APC):c.1458T>C; p.Tyr486=; c.1458T>C, p.Tyr486= (NM_001127510.3, NM_001354895.2); c.1404T>C, p.Tyr468= (NM_001127511.3); c.1512T>C, p.Tyr504= (NM_001354896.2); c.1488T>C, p.Tyr496= (NM_001354897.2); c.1383T>C, p.Tyr461= (NM_001354898.2); c.1374T>C, p.Tyr458= (NM_001354899.2); and 7 more.
Identifiers: ClinVar variation 42238 (VCV000042238.58), dbSNP rs2229992, ClinGen allele CA005169.
Genomic context (GRCh38, chr5:112,827,157, plus strand): 5'-TTTTAAATTAGGGGGACTACAGGCCATTGCAGAATTATTGCAAGTGGACTGTGAAATGTA[T>C]GGGCTTACTAATGACCACTACAGTATTACACTAAGACGATATGCTGGAATGGCTTTGACA-3'
Protein context (NP_000029.2, residues 476-496): AELLQVDCEM[Tyr486=]GLTNDHYSIT